The following is an entry in ClinVar:

NM_001018115.3(FANCD2):c.2157dup (p.Ser720fs)

Genes: FANCD2 (FA complementation group D2; plus strand), LOC107303338 (3p25 FANCD2 Alu-mediated recombination region; plus strand). Cytogenetic location: 3p25.3.
Variant type: Duplication.
Coding change: c.2157dup on transcript NM_001018115.3 (MANE Select); coding-DNA position 2157, one base duplicated (A; older notation c.2157dupA).
Protein change: p.Ser720fs; shifts the reading frame from serine 720.
Molecular consequence: frameshift variant.
Genome position (GRCh38, 1-based): chr3:10,064,864, A duplicated; the last of 2 consecutive A bases (chr3:10,064,863-10,064,864); duplicating either gives the same sequence. VCF-style (leftmost placement, unchanged base first): chr3-10064862-G-GA. GRCh37 (hg19) VCF-style: chr3-10106546-G-GA.
Other names: c.2157dup, p.Ser720fs (NM_001319984.2, NM_001374254.1, NM_033084.6); c.2046dup, p.Ser683fs (NM_001374253.1); short protein forms S683fs, S720fs.
Identifiers: ClinVar variation 3389103 (VCV003389103.14).
Genomic context (GRCh38, chr3:10,064,862, plus strand): 5'-CTCCTGCCGCTGCTGTTTTCTCAGGACTTTGCAAAAGATGGGGGTCCGGTGACCTCACAG[G>GA]AATCAGGCCAAAAGTCAGTATAGTTTTTCTTTTCTAAACCTGTTAGTGTTTTGAATGTTC-3'

ClinVar aggregate classification (germline): Pathogenic (1 of 4 stars; one submission).

Submission:

CeGaT Center for Human Genetics Tuebingen
Classification: Pathogenic. Last evaluated: 2024-09-01. Review status: criteria provided, single submitter. Criteria: CeGaT Center For Human Genetics Tuebingen Variant Classification Criteria Version 2. Collection method: clinical testing. Allele origin: germline. Affected: yes. Observed: 1 variant allele.
Comment: FANCD2: PVS1, PM2